The following is an entry in ClinVar:

ClinVar aggregate classification (germline): Benign/Likely benign. Review status: criteria provided, multiple submitters, no conflicts (2 of 4 stars). 4 submissions from 4 submitters: Benign (1); Likely benign (3). Last evaluated 2025-02-20.

Conditions:
Hereditary cancer-predisposing syndrome. Also called: Neoplastic Syndromes, Hereditary; Tumor predisposition; Hereditary neoplastic syndrome; Hereditary Cancer Syndrome. Identifiers: Orphanet 140162, MedGen C0027672, MeSH D009386, MONDO:0015356.
Breast-ovarian cancer, familial, susceptibility to, 4. Identifiers: Orphanet 145, MedGen C3280345, MONDO:0013669, OMIM 614291.

Submissions (4):

Myriad Genetics, Inc.
Classification: Benign for Breast-ovarian cancer, familial, susceptibility to, 4. Last evaluated: 2025-02-20. Review status: criteria provided, single submitter. Criteria: Myriad Autosomal Dominant, Autosomal Recessive and X-Linked Classification Criteria (2023). Collection method: clinical testing. Allele origin: unknown.
Comment: This variant is considered benign. This variant is a silent/synonymous amino acid change and it is not expected to impact splicing.

Labcorp Genetics (formerly Invitae), Labcorp
Classification: Likely benign for Breast-ovarian cancer, familial, susceptibility to, 4. Last evaluated: 2024-04-02. Review status: criteria provided, single submitter. Criteria: Invitae Variant Classification Sherloc (09022015). Collection method: clinical testing. Allele origin: germline.

Ambry Genetics
Classification: Likely benign for Hereditary cancer-predisposing syndrome. Last evaluated: 2021-12-11. Review status: criteria provided, single submitter. Criteria: Ambry Variant Classification Scheme 2023. Collection method: clinical testing. Allele origin: germline.

Color Diagnostics, LLC DBA Color Health
Classification: Likely benign for Hereditary cancer-predisposing syndrome. Last evaluated: 2018-04-11. Review status: criteria provided, single submitter. Criteria: ACMG Guidelines, 2015. Collection method: clinical testing. Allele origin: germline.

NM_002878.4(RAD51D):c.177T>C (p.Ala59=)

Genes: RAD51D (RAD51 paralog D; minus strand), RAD51L3-RFFL (RAD51L3-RFFL readthrough; minus strand). Cytogenetic location: 17q12.
Variant type: single nucleotide variant.
Coding change: c.177T>C on transcript NM_002878.4 (MANE Select); coding-DNA position 177, T replaced by C.
Protein change: p.Ala59=; no amino-acid change (alanine 59 retained).
Molecular consequence: synonymous variant. On other transcripts: intron variant (2).
Genome position (GRCh38, 1-based): chr17:35,118,587, A>G on the plus strand (T>C on the coding strand, the complement: RAD51D is on the minus strand). VCF-style: chr17-35118587-A-G. GRCh37 (hg19) VCF-style: chr17-33445606-A-G.
Other names: c.144+524T>C (NM_133629.3, NM_001142571.2).
Identifiers: ClinVar variation 628162 (VCV000628162.14), dbSNP rs1567735421, ClinGen allele CA913188828.